The following is an entry in ClinVar:

NM_000053.4(ATP7B):c.840C>T (p.Gly280=)

Gene: ATP7B (ATPase copper transporting beta; minus strand). Cytogenetic location: 13q14.3.
Variant type: single nucleotide variant.
Coding change: c.840C>T on transcript NM_000053.4 (MANE Select); coding-DNA position 840, C replaced by T.
Protein change: p.Gly280=; no amino-acid change (glycine 280 retained).
Molecular consequence: synonymous variant. On other transcripts: intron variant (2).
Genome position (GRCh38, 1-based): chr13:51,974,380, G>A on the plus strand (C>T on the coding strand, the complement: ATP7B is on the minus strand). VCF-style: chr13-51974380-G-A. GRCh37 (hg19) VCF-style: chr13-52548516-G-A.
Other names: c.840C>T, p.Gly280= (NM_001005918.3, NM_001330578.2, NM_001330579.2 and 29 more transcripts); c.744C>T, p.Gly248= (NM_001406517.1, NM_001406518.1, NM_001406530.1 and 3 more transcripts); c.802+38C>T (NM_001243182.2); c.706+38C>T (NM_001406539.1).
Identifiers: ClinVar variation 3385774 (VCV003385774.2).

ClinVar aggregate classification (germline): Likely benign. Review status: criteria provided, multiple submitters, no conflicts (2 of 4 stars). 2 submissions from 2 submitters: Likely benign (2). Last evaluated 2024-06-09.

Conditions:
Wilson disease (WND). Also called: Wilson's disease. Identifiers: Orphanet 905, MedGen C0019202, MONDO:0010200, OMIM 277900. Disease mechanism: loss of function.

gnomAD v4.1: 3 of 1,613,914 alleles (0.00019%); highest among the groups gnomAD compares: South Asian, 0.0011%; no homozygotes.

Submissions (2):

All of Us Research Program, National Institutes of Health
Classification: Likely benign for Wilson disease. Last evaluated: 2024-06-09. Review status: criteria provided, single submitter. Criteria: ACMG Guidelines, 2015. Collection method: clinical testing. Allele origin: germline. Inheritance: Autosomal recessive inheritance. Observed: 1 variant allele, 1 heterozygote.
Comment: This study involves interpretation of variants in research participants for the purpose of population health screening. Participant phenotype was not available at the time of variant classification. Additional details can be found in publication PMID: 35346344, PMCID: PMC8962531

Color Diagnostics, LLC DBA Color Health
Classification: Likely benign for Wilson disease. Last evaluated: 2024-04-17. Review status: criteria provided, single submitter. Criteria: ACMG Guidelines, 2015. Collection method: clinical testing. Allele origin: germline.